The following is an entry in ClinVar:

NM_002778.4(PSAP):c.777+1645del

Gene: PSAP (prosaposin; minus strand). Cytogenetic location: 10q22.1.
Variant type: Deletion.
Coding change: c.777+1645del on transcript NM_002778.4 (MANE Select); 1645 bases into the intron after coding-DNA position 777, one base deleted (C; older notation c.777+1645delC).
Molecular consequence: intron variant.
Genome position (GRCh38, 1-based): chr10:71,824,192, G deleted on the plus strand (C on the coding strand, the reverse complement: PSAP is on the minus strand). VCF-style (leftmost placement, unchanged base first): chr10-71824191-TG-T. GRCh37 (hg19) VCF-style: chr10-73583948-TG-T.
Other names: c.778-299del (NM_001042466.3); c.778-296del (NM_001042465.3).
Identifiers: ClinVar variation 680723 (VCV000680723.1), dbSNP rs5786049, ClinGen allele CA209462275.

ClinVar aggregate classification (germline): Benign (1 of 4 stars; one submission).

Allele frequency attached by ClinVar (database versions not stated): 1000 Genomes Project 0.20208; 1000 Genomes Project 30x 0.20269; TOPMed 0.20979; gnomAD 0.21448 and 0.21571.

Submission:

GeneDx
Classification: Benign. Last evaluated: 2018-06-19. Review status: criteria provided, single submitter. Criteria: GeneDx Variant Classification (06012015). Collection method: clinical testing. Allele origin: germline. Affected: yes.
Comment: This variant is considered likely benign or benign based on one or more of the following criteria: it is a conservative change, it occurs at a poorly conserved position in the protein, it is predicted to be benign by multiple in silico algorithms, and/or has population frequency not consistent with disease.